The following is an entry in ClinVar:

ClinVar aggregate classification (germline): Pathogenic (1 of 4 stars; one submission).

Conditions:
Peutz-Jeghers syndrome (PJS). Also called: POLYPOSIS, HAMARTOMATOUS INTESTINAL; POLYPS-AND-SPOTS SYNDROME; Peutz-Jeghers polyposis; Periorificial lentiginosis syndrome. Identifiers: Orphanet 2869, MedGen C0031269, MeSH D010580, MONDO:0008280, OMIM 175200.

Submission:

Myriad Genetics, Inc.
Classification: Pathogenic for Peutz-Jeghers syndrome. Last evaluated: 2024-02-12. Review status: criteria provided, single submitter. Criteria: Myriad Autosomal Dominant, Autosomal Recessive and X-Linked Classification Criteria (2023). Collection method: clinical testing. Allele origin: unknown.
Comment: This variant is considered pathogenic. This variant creates a termination codon and is predicted to result in premature protein truncation.

NM_000455.5(STK11):c.498C>A (p.Tyr166Ter)

Gene: STK11 (serine/threonine kinase 11; plus strand). Cytogenetic location: 19p13.3.
Variant type: single nucleotide variant.
Coding change: c.498C>A on transcript NM_000455.5 (MANE Select); coding-DNA position 498, C replaced by A.
Protein change: p.Tyr166Ter; replaces tyrosine 166 with a stop codon.
Molecular consequence: nonsense. On other transcripts: non-coding transcript variant (1).
Genome position (GRCh38, 1-based): chr19:1,220,406, C>A. VCF-style: chr19-1220406-C-A. GRCh37 (hg19) VCF-style: chr19-1220405-C-A.
Other names: c.498C>A, p.Tyr166Ter (NM_001407255.1); short protein forms Y166*.
Identifiers: ClinVar variation 3148294 (VCV003148294.1), dbSNP rs1555738205, ClinGen allele CA402948883.
Genomic context (GRCh38, chr19:1,220,406, plus strand): 5'-CCCAGGACGGGTGTGTGCTGCCCGCAGGTACTTCTGTCAGCTGATTGACGGCCTGGAGTA[C>A]CTGCATAGCCAGGGCATTGTGCACAAGGACATCAAGCCGGGGAACCTGCTGCTCACCACC-3'